The following is an entry in ClinVar:

NM_000051.4(ATM):c.1653del (p.Pro552fs)

Gene: ATM (ATM serine/threonine kinase; plus strand). Cytogenetic location: 11q22.3.
Variant type: Deletion.
Coding change: c.1653del on transcript NM_000051.4 (MANE Select); coding-DNA position 1653, one base deleted (T; older notation c.1653delT).
Protein change: p.Pro552fs; shifts the reading frame from proline 552.
Molecular consequence: frameshift variant.
Genome position (GRCh38, 1-based): chr11:108,251,882, T deleted; the last of 2 consecutive T bases (chr11:108,251,881-108,251,882); deleting either gives the same sequence. VCF-style (leftmost placement, unchanged base first): chr11-108251880-GT-G. GRCh37 (hg19) VCF-style: chr11-108122607-GT-G.
Other names: c.1653del, p.Pro552fs (NM_001351834.2); c.1653delT (NM_000051.3); short protein forms P552fs.
Identifiers: ClinVar variation 854072 (VCV000854072.11), dbSNP rs2080167483, ClinGen allele CA916080443.

ClinVar aggregate classification (germline): Pathogenic. Review status: criteria provided, multiple submitters, no conflicts (2 of 4 stars). 3 submissions from 3 submitters: Pathogenic (3). Last evaluated 2026-06-30.

Conditions:
Hereditary cancer-predisposing syndrome. Also called: Tumor predisposition; Hereditary neoplastic syndrome; Neoplastic Syndromes, Hereditary; Hereditary Cancer Syndrome. Identifiers: Orphanet 140162, MedGen C0027672, MeSH D009386, MONDO:0015356.
Familial cancer of breast. Also called: Hereditary breast cancer; hereditary breast carcinoma; BREAST CANCER, FAMILIAL. Identifiers: Orphanet 227535, MedGen C0346153, MONDO:0016419, OMIM 114480. Disease mechanism: loss of function.
Ataxia-telangiectasia syndrome (AT). Also called: Ataxia-telangiectasia, complementation group D; AT, COMPLEMENTATION GROUP C; ATAXIA-TELANGIECTASIA, COMPLEMENTATION GROUP A; ATAXIA-TELANGIECTASIA, FRESNO VARIANT; Ataxia-telangiectasia; LOUIS-BAR SYNDROME. Identifiers: Orphanet 100, MedGen C0004135, MONDO:0008840, OMIM 208900.

Submissions (3):

Ambry Genetics
Classification: Pathogenic for Hereditary cancer-predisposing syndrome. Last evaluated: 2026-06-30. Review status: criteria provided, single submitter. Criteria: Ambry Variant Classification Scheme 2023. Collection method: clinical testing. Allele origin: germline.
Comment: The c.1653delT variant, located in coding exon 10 of the ATM gene, results from a deletion of one nucleotide at nucleotide position 1653, causing a translational frameshift with a predicted alternate stop codon (p.P552Qfs*4). This variant is considered to be rare based on population cohorts in the Genome Aggregation Database (gnomAD). This alteration is expected to result in loss of function by premature protein truncation or nonsense-mediated mRNA decay. As such, this alteration is interpreted as a disease-causing mutation.

Myriad Genetics, Inc.
Classification: Pathogenic for Familial cancer of breast. Last evaluated: 2023-03-07. Review status: criteria provided, single submitter. Criteria: Myriad Autosomal Dominant, Autosomal Recessive and X-Linked Classification Criteria (2023). Collection method: clinical testing. Allele origin: unknown.
Comment: This variant is considered pathogenic. This variant creates a frameshift predicted to result in premature protein truncation.

Labcorp Genetics (formerly Invitae), Labcorp
Classification: Pathogenic for Ataxia-telangiectasia syndrome. Last evaluated: 2019-04-01. Review status: criteria provided, single submitter. Criteria: Invitae Variant Classification Sherloc (09022015). Collection method: clinical testing. Allele origin: germline.
Comment: For these reasons, this variant has been classified as Pathogenic. Loss-of-function variants in ATM are known to be pathogenic (PMID: 23807571, 25614872). This variant has not been reported in the literature in individuals with ATM-related conditions. This variant is not present in population databases (ExAC no frequency). This sequence change creates a premature translational stop signal (p.Pro552Glnfs*4) in the ATM gene. It is expected to result in an absent or disrupted protein product.

Literature cited by the submitters: PubMed 23807571 (cited by Labcorp Genetics (formerly Invitae), Labcorp); PubMed 25614872 (cited by Labcorp Genetics (formerly Invitae), Labcorp).